The following is an entry in ClinVar:

NM_004364.5(CEBPA):c.898_913dup (p.Gln305fs)

Gene: CEBPA (CCAAT enhancer binding protein alpha; minus strand). Cytogenetic location: 19q13.11.
Variant type: Duplication.
Coding change: c.898_913dup on transcript NM_004364.5 (MANE Select); coding-DNA positions 898 to 913, 16 bases duplicated (CGCGACAAGGCCAAGC).
Protein change: p.Gln305fs; shifts the reading frame from glutamine 305.
Molecular consequence: frameshift variant.
Genome position (GRCh38, 1-based): chr19:33,301,502-33,301,517, GCTTGGCCTTGTCGCG duplicated on the plus strand (CGCGACAAGGCCAAGC on the coding strand, the reverse complement: CEBPA is on the minus strand); duplicating any 16 consecutive bases within chr19:33,301,502-33,301,520 gives the same sequence; the c. name uses the placement nearest the transcript's 3' end. VCF-style (leftmost placement, unchanged base first): chr19-33301501-T-TGCTTGGCCTTGTCGCG. GRCh37 (hg19) VCF-style: chr19-33792407-T-TGCTTGGCCTTGTCGCG.
Other names: c.898_913dup16 (NM_004364.4); c.541_556dup, p.Gln186fs (NM_001285829.2); c.1003_1018dup, p.Gln340fs (NM_001287424.2); c.856_871dup, p.Gln291fs (NM_001287435.2); short protein forms Q186fs, Q305fs, Q291fs, Q340fs.
Identifiers: ClinVar variation 647834 (VCV000647834.8), dbSNP rs1600021166, ClinGen allele CA915952993.

ClinVar aggregate classification (germline): Uncertain significance (1 of 4 stars; one submission).

Conditions:
Acute myeloid leukemia (AML). Also called: Acute myeloid leukemia, adult; AML adult; Acute non-lymphocytic leukemia; Acute granulocytic leukemia; Leukemia, acute myeloid, somatic; Leukemia, acute myelogenous, somatic. Identifiers: Orphanet 519, MedGen C0023467, MeSH D015470, MONDO:0018874, OMIM 601626, HP:0004808. Disease mechanism: Constitutively activated FLT3.

Submission:

Labcorp Genetics (formerly Invitae), Labcorp
Classification: Uncertain significance for Acute myeloid leukemia. Last evaluated: 2024-05-27. Review status: criteria provided, single submitter. Criteria: Invitae Variant Classification Sherloc (09022015). Collection method: clinical testing. Allele origin: germline.
Comment: This sequence change creates a premature translational stop signal (p.Gln305Profs*21) in the CEBPA gene. While this is not anticipated to result in nonsense mediated decay, it is expected to disrupt the last 54 amino acids of the CEBPA protein. This variant is not present in population databases (gnomAD no frequency). This variant has not been reported in the literature in individuals affected with CEBPA-related conditions. ClinVar contains an entry for this variant (Variation ID: 647834). Experimental studies and prediction algorithms are not available or were not evaluated, and the functional significance of this variant is currently unknown. In summary, the available evidence is currently insufficient to determine the role of this variant in disease. Therefore, it has been classified as a Variant of Uncertain Significance.